The following is an entry in ClinVar:

NM_001377295.2(GNAT2):c.725G>A (p.Arg242His)

Gene: GNAT2 (G protein subunit alpha transducin 2; minus strand). Cytogenetic location: 1p13.3.
Variant type: single nucleotide variant.
Coding change: c.725G>A on transcript NM_001377295.2 (MANE Select); coding-DNA position 725, G replaced by A.
Protein change: p.Arg242His; replaces arginine 242 with histidine.
Molecular consequence: missense variant.
Genome position (GRCh38, 1-based): chr1:109,604,100, C>T on the plus strand (G>A on the coding strand, the complement: GNAT2 is on the minus strand). VCF-style: chr1-109604100-C-T. GRCh37 (hg19) VCF-style: chr1-110146722-C-T.
Other names: c.725G>A, p.Arg242His (NM_001379232.1, NM_005272.5); short protein forms R242H.
Identifiers: ClinVar variation 1950978 (VCV001950978.3), dbSNP rs142609327, ClinGen allele CA992323.

ClinVar aggregate classification (germline): Uncertain significance. Review status: criteria provided, single submitter (1 of 4 stars). 2 submissions from 2 submitters: Uncertain significance (1). 1 of the submissions does not count toward it. Last evaluated 2022-02-04.

Conditions:
Retinal dystrophy. Also called: Inherited retinal dystrophy. Identifiers: Orphanet 71862, MedGen C0854723, MeSH D058499, MONDO:0019118, HP:0000556.

Allele frequency attached by ClinVar (database versions not stated): ExAC 0.00001; gnomAD 0.00001; gnomAD exomes 0.00001; TOPMed 0.00001; ESP Exome Variant Server 0.00008.
gnomAD v4.1: 19 of 1,608,218 alleles (0.0012%); highest among the groups gnomAD compares: African/African-American, 0.004%; no homozygotes.

Submissions (2):

Labcorp Genetics (formerly Invitae), Labcorp
Classification: Uncertain significance. Last evaluated: 2022-02-04. Review status: criteria provided, single submitter. Criteria: Invitae Variant Classification Sherloc (09022015). Collection method: clinical testing. Allele origin: germline.
Comment: This sequence change replaces arginine, which is basic and polar, with histidine, which is basic and polar, at codon 242 of the GNAT2 protein (p.Arg242His). This variant is present in population databases (rs142609327, gnomAD 0.009%). This variant has not been reported in the literature in individuals affected with GNAT2-related conditions. Advanced modeling of protein sequence and biophysical properties (such as structural, functional, and spatial information, amino acid conservation, physicochemical variation, residue mobility, and thermodynamic stability) performed at Invitae indicates that this missense variant is expected to disrupt GNAT2 protein function. In summary, the available evidence is currently insufficient to determine the role of this variant in disease. Therefore, it has been classified as a Variant of Uncertain Significance.

Institute of Human Genetics, Univ. Regensburg, Univ. Regensburg
Classification: Uncertain significance for Retinal dystrophy. Last evaluated: 2022-01-01. Review status: no assertion criteria provided. Criteria: ACMG Guidelines, 2015. Collection method: clinical testing. Allele origin: germline. Affected: yes. Not counted in ClinVar's aggregate classification.